The following is an entry in ClinVar:

NM_000203.5(IDUA):c.1088G>A (p.Arg363His)

Gene: IDUA (alpha-L-iduronidase; plus strand). Cytogenetic location: 4p16.3.
Variant type: single nucleotide variant.
Coding change: c.1088G>A on transcript NM_000203.5 (MANE Select); coding-DNA position 1088, G replaced by A.
Protein change: p.Arg363His; replaces arginine 363 with histidine.
Molecular consequence: missense variant. On other transcripts: non-coding transcript variant (1).
Genome position (GRCh38, 1-based): chr4:1,002,384, G>A. VCF-style: chr4-1002384-G-A. GRCh37 (hg19) VCF-style: chr4-996172-G-A.
Other names: NM_001363576.1:c.692G>A; c.692G>A, p.Arg231His (NM_001363576.1); short protein forms R231H, R363H.
Identifiers: ClinVar variation 4539820 (VCV004539820.1), dbSNP rs1416427527.

ClinVar aggregate classification (germline): Uncertain significance (3 of 4 stars; one submission).

Conditions:
Mucopolysaccharidosis type 1. Also called: IDUA deficiency; MPS I. Identifiers: Orphanet 579, MedGen C0023786, MONDO:0001586.

Submission:

ClinGen Lysosomal Storage Disorder Variant Curation Expert Panel
Classification: Uncertain significance for Mucopolysaccharidosis type 1. Last evaluated: 2025-12-15. Review status: reviewed by expert panel. Criteria: ClinGen LSD ACMG Specifications IDUA V1.1.0. Collection method: curation. Allele origin: germline. Inheritance: Autosomal recessive inheritance.
Comment: The NM_000203.4:c.1088G>A variant in IDUA is a missense variant predicted to cause substitution of Arginine by Histidine at amino acid 363 (p.Arg363His). A patient with this variant had documented IDUA deficiency within the affected range in leukocytes, and clinical features specific to MPS I including hepatosplenomegaly, arthropathy, and corneal involvement (PMID: 21734815) (PP4). This patient is compound heterozygous for the variant and a variant in IDUA that has been classified as pathogenic variant for MPS I by the ClinGen LD VCEP. c.1190-1G>A (ClinVarID: 1204494, PMID: 21734815); the phase of the variants is unconfirmed, 0.5 points (PM3_Supporting). The computational predictor REVEL gives a score of 0.916 which is above the threshold of 0.773, evidence that correlates with impact to IDUA function at the moderate level based on the specifications of the ClinGen Lysosomal Diseases VCEP (PMID: 36413997) (PP3_Moderate). This variant is absent in gnomAD v4.1.0. (PM2_Supporting). In summary, this variant meets the criteria to be classified as a variant of uncertain significance (VUS) for MPS I based on the IDUA-specific ACMG/AMP criteria applied, as specified by the ClinGen Lysosomal Diseases Variant Curation Expert Panel (Specifications Version 1.1.0): PP3_moderate, PP4, PM2_supporting, PM3_supporting. (Classification approved by the ClinGen Lysosomal Diseases Variant Curation Expert Panel on December 15, 2025)